The following is an entry in ClinVar:

NM_018341.3(ERMARD):c.507+3A>G

Gene: ERMARD (ER membrane associated RNA degradation; plus strand). Cytogenetic location: 6q27.
Variant type: single nucleotide variant.
Coding change: c.507+3A>G on transcript NM_018341.3 (MANE Select); 3 bases into the intron after coding-DNA position 507, A replaced by G.
Molecular consequence: intron variant.
Genome position (GRCh38, 1-based): chr6:169,756,811, A>G. VCF-style: chr6-169756811-A-G. GRCh37 (hg19) VCF-style: chr6-170156907-A-G.
Other names: c.507+3A>G (NM_001278531.2, NM_001278533.2); c.129+3A>G (NM_001278532.2, NM_001410957.1).
Identifiers: ClinVar variation 4717625 (VCV004717625.1).

ClinVar aggregate classification (germline): Uncertain significance (1 of 4 stars; one submission).

Submission:

Labcorp Genetics (formerly Invitae), Labcorp
Classification: Uncertain significance. Last evaluated: 2025-04-17. Review status: criteria provided, single submitter. Criteria: Invitae Variant Classification Sherloc (09022015). Collection method: clinical testing. Allele origin: germline.
Comment: This sequence change falls in intron 5 of the ERMARD gene. It does not directly change the encoded amino acid sequence of the ERMARD protein. It affects a nucleotide within the consensus splice site. This variant is not present in population databases (gnomAD no frequency). This variant has not been reported in the literature in individuals affected with ERMARD-related conditions. Variants that disrupt the consensus splice site are a relatively common cause of aberrant splicing (PMID: 17576681, 9536098). Algorithms developed to predict the effect of sequence changes on RNA splicing suggest that this variant may disrupt the consensus splice site. In summary, the available evidence is currently insufficient to determine the role of this variant in disease. Therefore, it has been classified as a Variant of Uncertain Significance.

Literature cited by the submitters: PubMed 17576681; PubMed 9536098.